The following is an entry in ClinVar:

ClinVar aggregate classification (germline): Uncertain significance (1 of 4 stars; one submission).

Conditions:
Autoimmune lymphoproliferative syndrome type 2A (ALPS2A). Also called: CASP10-Related Autoimmune Lymphoproliferative Syndrome; AUTOIMMUNE LYMPHOPROLIFERATIVE SYNDROME, TYPE IIA; Autoimmune lymphoproliferative syndrome type 2. Identifiers: Orphanet 3261, MedGen C1858968, MONDO:0011383, OMIM 603909.

Submission:

Labcorp Genetics (formerly Invitae), Labcorp
Classification: Uncertain significance for Autoimmune lymphoproliferative syndrome type 2A. Last evaluated: 2025-10-28. Review status: criteria provided, single submitter. Criteria: Invitae Variant Classification Sherloc (09022015). Collection method: clinical testing. Allele origin: germline.
Comment: This sequence change creates a premature translational stop signal (p.His324Thrfs*3) in the CASP10 gene. It is expected to result in an absent or disrupted protein product. However, the current clinical and genetic evidence is not sufficient to establish whether loss-of-function variants in CASP10 cause disease. This variant is not present in population databases (gnomAD no frequency). This variant has not been reported in the literature in individuals affected with CASP10-related conditions. In summary, the available evidence is currently insufficient to determine the role of this variant in disease. Therefore, it has been classified as a Variant of Uncertain Significance.

NM_032977.4(CASP10):c.969dup (p.His324fs)

Gene: CASP10 (caspase 10; plus strand). Cytogenetic location: 2q33.1.
Variant type: Duplication.
Coding change: c.969dup on transcript NM_032977.4 (MANE Select); coding-DNA position 969, one base duplicated (A; older notation c.969dupA).
Protein change: p.His324fs; shifts the reading frame from histidine 324.
Molecular consequence: frameshift variant. On other transcripts: 3 prime UTR variant (1).
Genome position (GRCh38, 1-based): chr2:201,209,116, A duplicated. VCF-style (leftmost placement, unchanged base first): chr2-201209115-T-TA. GRCh37 (hg19) VCF-style: chr2-202073838-T-TA.
Other names: c.768dup, p.His257fs (NM_001206524.2); c.840dup, p.His281fs (NM_001206542.2, NM_001230.5); c.969dup, p.His324fs (NM_032974.5); c.*55dup (NM_032976.4); short protein forms H324fs, H281fs, H257fs.
Identifiers: ClinVar variation 4786394 (VCV004786394.1).